The following is an entry in ClinVar:

ClinVar aggregate classification (germline): Uncertain significance (1 of 4 stars; one submission).

Submission:

Women's Health and Genetics/Laboratory Corporation of America, LabCorp
Classification: Uncertain significance. Last evaluated: 2023-07-25. Review status: criteria provided, single submitter. Criteria: LabCorp Variant Classification Summary - May 2015. Collection method: clinical testing. Allele origin: germline.
Comment: Variant summary: USP7 c.987+14delA alters a nucleotide located close to a canonical splice site and therefore could affect mRNA splicing, leading to a significantly altered protein sequence. Computational tools predict no significant impact on normal splicing. However, these predictions have yet to be confirmed by functional studies. The variant was absent in 251274 control chromosomes (gnomAD). The available data on variant occurrences in the general population are insufficient to allow any conclusion about variant significance. To our knowledge, no occurrence of c.987+14delA in individuals affected with Hao-Fountain Syndrome and no experimental evidence demonstrating its impact on protein function have been reported. No submitters have cited clinical-significance assessments for this variant to ClinVar after 2014. Based on the evidence outlined above, the variant was classified as uncertain significance.

NM_003470.3(USP7):c.987+14del

Gene: USP7 (ubiquitin specific peptidase 7; minus strand). Cytogenetic location: 16p13.2.
Variant type: Deletion.
Coding change: c.987+14del on transcript NM_003470.3 (MANE Select); 14 bases into the intron after coding-DNA position 987, one base deleted (A; older notation c.987+14delA).
Molecular consequence: intron variant.
Genome position (GRCh38, 1-based): chr16:8,915,431, T deleted on the plus strand (A on the coding strand, the reverse complement: USP7 is on the minus strand). VCF-style (leftmost placement, unchanged base first): chr16-8915430-CT-C. GRCh37 (hg19) VCF-style: chr16-9009287-CT-C.
Other names: c.813+14del (NM_001321858.2); c.939+14del (NM_001286457.2); c.690+14del (NM_001286458.2).
Identifiers: ClinVar variation 2577391 (VCV002577391.1), dbSNP rs2549240754, ClinGen allele CA2580613416.